The following is an entry in ClinVar:

ClinVar aggregate classification (germline): Pathogenic (1 of 4 stars; one submission).

Conditions:
Joubert syndrome. Also called: CEREBELLOPARENCHYMAL DISORDER IV; JOUBERT-BOLTSHAUSER SYNDROME; Familial aplasia of the vermis. Identifiers: Orphanet 475, MedGen C5979921, MONDO:0018772.

Submission:

Labcorp Genetics (formerly Invitae), Labcorp
Classification: Pathogenic for Joubert syndrome. Last evaluated: 2020-11-11. Review status: criteria provided, single submitter. Criteria: Invitae Variant Classification Sherloc (09022015). Collection method: clinical testing. Allele origin: germline.
Comment: This variant has not been reported in the literature in individuals with TMEM216-related conditions. For these reasons, this variant has been classified as Pathogenic. The frequency data for this variant in the population databases is considered unreliable, as metrics indicate insufficient coverage at this position in the ExAC database. This sequence change creates a premature translational stop signal (p.Phe40Hisfs*5) in the TMEM216 gene. It is expected to result in an absent or disrupted protein product. Loss-of-function variants in TMEM216 are known to be pathogenic (PMID: 20512146).

Literature cited by the submitters: PubMed 20512146.

NM_001173990.3(TMEM216):c.118_119del (p.Phe40fs)

Gene: TMEM216 (transmembrane protein 216; plus strand). Cytogenetic location: 11q12.2.
Variant type: Deletion.
Coding change: c.118_119del on transcript NM_001173990.3 (MANE Select); coding-DNA positions 118 to 119, 2 bases deleted (TT; older notation c.118_119delTT).
Protein change: p.Phe40fs; shifts the reading frame from phenylalanine 40.
Molecular consequence: frameshift variant. On other transcripts: 5 prime UTR variant (2).
Genome position (GRCh38, 1-based): chr11:61,393,314-61,393,315, TT deleted; deleting any 2 consecutive bases within chr11:61,393,312-61,393,315 gives the same sequence; the c. name uses the placement nearest the transcript's 3' end. VCF-style (leftmost placement, unchanged base first): chr11-61393311-CTT-C. GRCh37 (hg19) VCF-style: chr11-61160783-CTT-C.
Other names: c.118_119del, p.Phe40fs (NM_001173991.3); c.-66_-65del (NM_001330285.2, NM_016499.6); short protein forms F40fs.
Identifiers: ClinVar variation 1418959 (VCV001418959.6), dbSNP rs2135190154, ClinGen allele CA2573147293.